The following is an entry in ClinVar:

NM_000492.4(CFTR):c.3851A>G (p.Lys1284Arg)

Genes: CFTR (CF transmembrane conductance regulator; plus strand), CFTR-AS2 (CFTR antisense RNA 2; minus strand). Cytogenetic location: 7q31.2.
Variant type: single nucleotide variant.
Coding change: c.3851A>G on transcript NM_000492.4 (MANE Select); coding-DNA position 3851, A replaced by G.
Protein change: p.Lys1284Arg; replaces lysine 1284 with arginine.
Molecular consequence: missense variant.
Genome position (GRCh38, 1-based): chr7:117,642,571, A>G. VCF-style: chr7-117642571-A-G. GRCh37 (hg19) VCF-style: chr7-117282625-A-G.
Other names: short protein forms K1284R.
Identifiers: ClinVar variation 1677016 (VCV001677016.2), dbSNP rs2116167703, ClinGen allele CA368975509.

ClinVar aggregate classification (germline): Uncertain significance. Review status: criteria provided, multiple submitters, no conflicts (2 of 4 stars). 2 submissions from 2 submitters: Uncertain significance (2). Last evaluated 2026-04-17.

Conditions:
Cystic fibrosis (CF). Also called: MUCOVISCIDOSIS. Identifiers: Orphanet 586, MedGen C0010674, MONDO:0009061, OMIM 219700. Disease mechanism: loss of function.

Submissions (2):

Ambry Genetics
Classification: Uncertain significance for Cystic fibrosis. Last evaluated: 2026-04-17. Review status: criteria provided, single submitter. Criteria: Ambry Variant Classification Scheme 2023. Collection method: clinical testing. Allele origin: germline.
Comment: The p.K1284R variant (also known as c.3851A>G), located in coding exon 23 of the CFTR gene, results from an A to G substitution at nucleotide position 3851. The lysine at codon 1284 is replaced by arginine, an amino acid with highly similar properties. Functional study suggests this variant has no major change in CFTR expression/maturation compared with wild type; however, the physiological relevance of these findings are unclear (Lee S et al. Mol Cell Biol, 2014 Jul;34:2554-65). This amino acid position is highly conserved in available vertebrate species. In addition, the in silico prediction for this alteration is inconclusive. Based on the available evidence, the clinical significance of this variant remains unclear.

Women's Health and Genetics/Laboratory Corporation of America, LabCorp
Classification: Uncertain significance. Last evaluated: 2022-03-01. Review status: criteria provided, single submitter. Criteria: LabCorp Variant Classification Summary - May 2015. Collection method: clinical testing. Allele origin: germline.
Comment: Variant summary: CFTR c.3851A>G (p.Lys1284Arg) results in a conservative amino acid change located in the ABC transporter-like, ATP-binding domain (IPR003439) of the encoded protein sequence. Four of five in-silico tools predict a benign effect of the variant on protein function. The variant was absent in 250730 control chromosomes. The available data on variant occurrences in the general population are insufficient to allow any conclusion about variant significance. To our knowledge, no occurrence of c.3851A>G in individuals affected with Cystic Fibrosis and CFTR-related disorders/Chronic Pancreatitis Risk and no experimental evidence demonstrating its impact on protein function have been reported. No clinical diagnostic laboratories have submitted clinical-significance assessments for this variant to ClinVar after 2014. Based on the evidence outlined above, the variant was classified as uncertain significance.

Literature cited by the submitters: PubMed 24777605 (cited by Ambry Genetics and Women's Health and Genetics/Laboratory Corporation of America, LabCorp).